The following is an entry in ClinVar:

NM_024422.6(DSC2):c.781A>C (p.Thr261Pro)

Gene: DSC2 (desmocollin 2; minus strand). Cytogenetic location: 18q12.1.
Variant type: single nucleotide variant.
Coding change: c.781A>C on transcript NM_024422.6 (MANE Select); coding-DNA position 781, A replaced by C.
Protein change: p.Thr261Pro; replaces threonine 261 with proline.
Molecular consequence: missense variant.
Genome position (GRCh38, 1-based): chr18:31,086,737, T>G on the plus strand (A>C on the coding strand, the complement: DSC2 is on the minus strand). VCF-style: chr18-31086737-T-G. GRCh37 (hg19) VCF-style: chr18-28666700-T-G.
Other names: c.352A>C, p.Thr118Pro (NM_001406506.1, NM_001406507.1); c.781A>C, p.Thr261Pro (NM_004949.5); short protein forms T118P, T261P.
Identifiers: ClinVar variation 4803281 (VCV004803281.1).

ClinVar aggregate classification (germline): Uncertain significance (1 of 4 stars; one submission).

Conditions:
Arrhythmogenic right ventricular dysplasia 11. Also called: ARRHYTHMOGENIC RIGHT VENTRICULAR DYSPLASIA, FAMILIAL, 11; Arrhythmogenic Right Ventricular Dysplasia/Cardiomyopathy11; Arrhythmogenic right ventricular dysplasia 11 with mild palmoplantar keratoderma and woolly hair. Identifiers: MedGen C1864850, MONDO:0012506, OMIM 610476.

gnomAD v4.1: 1 of 1,613,984 alleles (0.000062%); highest among the groups gnomAD compares: Non-Finnish European, 0.000085%; no homozygotes.

Submission:

Labcorp Genetics (formerly Invitae), Labcorp
Classification: Uncertain significance for Arrhythmogenic right ventricular dysplasia 11. Last evaluated: 2026-01-06. Review status: criteria provided, single submitter. Criteria: Invitae Variant Classification Sherloc (09022015). Collection method: clinical testing. Allele origin: germline.
Comment: This sequence change replaces threonine, which is neutral and polar, with proline, which is neutral and non-polar, at codon 261 of the DSC2 protein (p.Thr261Pro). This variant is not present in population databases (gnomAD no frequency). This variant has not been reported in the literature in individuals affected with DSC2-related conditions. Invitae Evidence Modeling of protein sequence and biophysical properties (such as structural, functional, and spatial information, amino acid conservation, physicochemical variation, residue mobility, and thermodynamic stability) indicates that this missense variant is not expected to disrupt DSC2 protein function with a negative predictive value of 80%. In summary, the available evidence is currently insufficient to determine the role of this variant in disease. Therefore, it has been classified as a Variant of Uncertain Significance.